The following is an entry in ClinVar:

ClinVar aggregate classification (germline): Likely benign (1 of 4 stars; one submission).

Allele frequency attached by ClinVar (database versions not stated): gnomAD exomes 0.00014; ExAC 0.00059; gnomAD 0.00149; TOPMed 0.00162; 1000 Genomes Project 0.00180; 1000 Genomes Project 30x 0.00187.
gnomAD v4.1: 441 of 1,551,564 alleles (0.028%); highest among the groups gnomAD compares: African/African-American, 0.51%; 5 homozygotes.

Submission:

CeGaT Center for Human Genetics Tuebingen
Classification: Likely benign. Last evaluated: 2022-12-01. Review status: criteria provided, single submitter. Criteria: CeGaT Center For Human Genetics Tuebingen Variant Classification Criteria Version 2. Collection method: clinical testing. Allele origin: germline. Affected: yes. Observed: 1 variant allele.
Comment: ZBED5: BP4, BP7, BS2

NM_001143667.2(ZBED5):c.1008A>G (p.Glu336=)

Gene: ZBED5 (zinc finger BED-type containing 5; minus strand). Cytogenetic location: 11p15.4.
Variant type: single nucleotide variant.
Coding change: c.1008A>G on transcript NM_001143667.2 (MANE Select); coding-DNA position 1008, A replaced by G.
Protein change: p.Glu336=; no amino-acid change (glutamic acid 336 retained).
Molecular consequence: synonymous variant.
Genome position (GRCh38, 1-based): chr11:10,853,938, T>C on the plus strand (A>G on the coding strand, the complement: ZBED5 is on the minus strand). VCF-style: chr11-10853938-T-C. GRCh37 (hg19) VCF-style: chr11-10875485-T-C.
Other names: c.1008A>G, p.Glu336= (NM_021211.4).
Identifiers: ClinVar variation 2641605 (VCV002641605.24), dbSNP rs77773494, ClinGen allele CA5886677.